The following is an entry in ClinVar:

ClinVar aggregate classification (germline): Likely pathogenic. Review status: criteria provided, single submitter (1 of 4 stars). 2 submissions from 2 submitters: Likely pathogenic (1). 1 of the submissions does not count toward it. Last evaluated 2024-10-04.

Conditions:
Combined oxidative phosphorylation defect type 23. Also called: Combined oxidative phosphorylation deficiency 23. Identifiers: Orphanet 444013, MedGen C5567743, MONDO:0014525, OMIM 616198.

Submissions (2):

Dubai Health Genomic Medicine Center, Dubai Health
Classification: Likely pathogenic for Combined oxidative phosphorylation deficiency 23. Last evaluated: 2024-10-04. Review status: criteria provided, single submitter. Criteria: ACMG Guidelines, 2015. Collection method: research. Allele origin: germline. Affected: yes.
Comment: PVS1,PP1,PM2

OMIM
Classification: Pathogenic for COMBINED OXIDATIVE PHOSPHORYLATION DEFICIENCY 23. Last evaluated: 2014-12-04. Review status: no assertion criteria provided. Collection method: literature only. Allele origin: germline. Not counted in ClinVar's aggregate classification.

Literature cited by the submitters: PubMed 25434004 (cited by OMIM); Minczuk, M. Personal Communication. 2015. Cambridge, England (cited by OMIM).

NM_032620.4(GTPBP3):c.1291dup (p.Arg431fs)

Gene: GTPBP3 (GTP binding protein 3, mitochondrial; plus strand). Cytogenetic location: 19p13.11.
Variant type: Duplication.
Coding change: c.1291dup on transcript NM_032620.4 (MANE Select); coding-DNA position 1291, one base duplicated (C; older notation c.1291dupC).
Protein change: p.Arg431fs; shifts the reading frame from arginine 431.
Molecular consequence: frameshift variant.
Genome position (GRCh38, 1-based): chr19:17,341,515, C duplicated; the last of 3 consecutive C bases (chr19:17,341,513-17,341,515); duplicating any one gives the same sequence. VCF-style (leftmost placement, unchanged base first): chr19-17341512-A-AC. GRCh37 (hg19) VCF-style: chr19-17452321-A-AC.
Other names: c.1228dup, p.Arg410fs (NM_001128855.3); c.1357dup, p.Arg453fs (NM_001195422.1); c.1387dup, p.Arg463fs (NM_133644.4); short protein forms R463fs, R431fs, R453fs, R410fs.
Identifiers: ClinVar variation 180614 (VCV000180614.3), dbSNP rs869320746, ClinGen allele CA358281.